The following is an entry in ClinVar:

ClinVar aggregate classification (germline): Uncertain significance. Review status: criteria provided, multiple submitters, no conflicts (2 of 4 stars). 4 submissions from 4 submitters: Uncertain significance (4). Last evaluated 2025-04-13.

Conditions:
Hereditary cancer-predisposing syndrome. Also called: Hereditary neoplastic syndrome; Tumor predisposition; Neoplastic Syndromes, Hereditary; Hereditary Cancer Syndrome. Identifiers: Orphanet 140162, MedGen C0027672, MeSH D009386, MONDO:0015356.
Familial cancer of breast. Also called: Hereditary breast cancer; BREAST CANCER, FAMILIAL; hereditary breast carcinoma. Identifiers: Orphanet 227535, MedGen C0346153, MONDO:0016419, OMIM 114480. Disease mechanism: loss of function.

Submissions (4):

Labcorp Genetics (formerly Invitae), Labcorp
Classification: Uncertain significance for Familial cancer of breast. Last evaluated: 2025-04-13. Review status: criteria provided, single submitter. Criteria: Invitae Variant Classification Sherloc (09022015). Collection method: clinical testing. Allele origin: germline.
Comment: This sequence change replaces phenylalanine, which is neutral and non-polar, with leucine, which is neutral and non-polar, at codon 418 of the CHEK2 protein (p.Phe418Leu). This variant is not present in population databases (gnomAD no frequency). This variant has not been reported in the literature in individuals affected with CHEK2-related conditions. ClinVar contains an entry for this variant (Variation ID: 419229). An algorithm developed to predict the effect of missense changes on protein structure and function (PolyPhen-2) suggests that this variant is likely to be disruptive. In summary, the available evidence is currently insufficient to determine the role of this variant in disease. Therefore, it has been classified as a Variant of Uncertain Significance.

Ambry Genetics
Classification: Uncertain significance for Hereditary cancer-predisposing syndrome. Last evaluated: 2024-09-30. Review status: criteria provided, single submitter. Criteria: Ambry Variant Classification Scheme 2023. Collection method: clinical testing. Allele origin: germline.
Comment: The p.F418L variant (also known as c.1252T>C), located in coding exon 10 of the CHEK2 gene, results from a T to C substitution at nucleotide position 1252. The phenylalanine at codon 418 is replaced by leucine, an amino acid with highly similar properties. This amino acid position is highly conserved in available vertebrate species. In addition, this alteration is predicted to be deleterious by in silico analysis. Based on the available evidence, the clinical significance of this variant remains unclear.

Color Diagnostics, LLC DBA Color Health
Classification: Uncertain significance for Hereditary cancer-predisposing syndrome. Last evaluated: 2021-09-20. Review status: criteria provided, single submitter. Criteria: ACMG Guidelines, 2015. Collection method: clinical testing. Allele origin: germline.
Comment: This missense variant replaces phenylalanine with leucine at codon 418 of the CHEK2 protein. Computational prediction suggests that this variant may have deleterious impact on protein structure and function (internally defined REVEL score threshold >= 0.7, PMID: 27666373). To our knowledge, functional studies have not been reported for this variant. This variant has not been reported in individuals affected with hereditary cancer in the literature. This variant has not been identified in the general population by the Genome Aggregation Database (gnomAD). The available evidence is insufficient to determine the role of this variant in disease conclusively. Therefore, this variant is classified as a Variant of Uncertain Significance.

GeneDx
Classification: Uncertain significance. Last evaluated: 2016-06-27. Review status: criteria provided, single submitter. Criteria: GeneDx Variant Classification (06012015). Collection method: clinical testing. Allele origin: germline. Affected: yes.
Comment: This variant is denoted CHEK2 c.1252T>C at the cDNA level, p.Phe418Leu (F418L) at the protein level, and results in the change of a Phenylalanine to a Leucine (TTT>CTT). This variant has not, to our knowledge, been published in the literature as pathogenic or benign. CHEK2 Phe418Leu was not observed in approximately 6,500 individuals of European and African American ancestry in the NHLBI Exome Sequencing Project, suggesting it is not a common benign variant in these populations. Since Phenylalanine and Leucine share similar properties, this is considered a conservative amino acid substitution. CHEK2 Phe418Leu occurs at a position that is conserved across species and is located in the kinase domain (Desrichard 2011, Roeb 2012). In silico analyses predict that this variant is probably damaging to protein structure and function. Based on currently available evidence, it is unclear whether CHEK2 Phe418Leu is a pathogenic or benign variant. We consider it to be a variant of uncertain significance.

NM_007194.4(CHEK2):c.1252T>C (p.Phe418Leu)

Gene: CHEK2 (checkpoint kinase 2; minus strand). Cytogenetic location: 22q12.1.
Variant type: single nucleotide variant.
Coding change: c.1252T>C on transcript NM_007194.4 (MANE Select); coding-DNA position 1252, T replaced by C.
Protein change: p.Phe418Leu; replaces phenylalanine 418 with leucine.
Molecular consequence: missense variant.
Genome position (GRCh38, 1-based): chr22:28,695,717, A>G on the plus strand (T>C on the coding strand, the complement: CHEK2 is on the minus strand). VCF-style: chr22-28695717-A-G. GRCh37 (hg19) VCF-style: chr22-29091705-A-G.
Other names: c.1381T>C, p.Phe461Leu (NM_001005735.3); c.589T>C, p.Phe197Leu (NM_001257387.3); c.1051T>C, p.Phe351Leu (NM_001349956.3); c.1165T>C, p.Phe389Leu (NM_145862.3); short protein forms F418L, F461L, F351L, F389L, F197L.
Identifiers: ClinVar variation 419229 (VCV000419229.19), dbSNP rs1064793737, ClinGen allele CA16621052.